The following is an entry in ClinVar:

NM_016630.7(SPG21):c.63+3A>T

Gene: SPG21 (SPG21 abhydrolase domain containing, maspardin; minus strand). Cytogenetic location: 15q22.31.
Variant type: single nucleotide variant.
Coding change: c.63+3A>T on transcript NM_016630.7 (MANE Select); 3 bases into the intron after coding-DNA position 63, A replaced by T.
Molecular consequence: intron variant.
Genome position (GRCh38, 1-based): chr15:64,983,504, T>A on the plus strand (A>T on the coding strand, the complement: SPG21 is on the minus strand). VCF-style: chr15-64983504-T-A. GRCh37 (hg19) VCF-style: chr15-65275842-T-A.
Other names: c.63+3A>T (NM_001127890.5, NM_001127889.5).
Identifiers: ClinVar variation 863892 (VCV000863892.8), dbSNP rs1202820000, ClinGen allele CA916083428.

ClinVar aggregate classification (germline): Uncertain significance (1 of 4 stars; one submission).

Conditions:
Mast syndrome. Also called: SPASTIC PARAPLEGIA 21, AUTOSOMAL RECESSIVE. Identifiers: Orphanet 101001, MedGen C1855346, MONDO:0009568, OMIM 248900.

Submission:

Labcorp Genetics (formerly Invitae), Labcorp
Classification: Uncertain significance for Mast syndrome. Last evaluated: 2019-03-12. Review status: criteria provided, single submitter. Criteria: Invitae Variant Classification Sherloc (09022015). Collection method: clinical testing. Allele origin: germline.
Comment: Nucleotide substitutions within the consensus splice site are a relatively common cause of aberrant splicing (PMID: 17576681, 9536098). Algorithms developed to predict the effect of sequence changes on RNA splicing suggest that this variant may disrupt the consensus splice site, but this prediction has not been confirmed by published transcriptional studies. In summary, the available evidence is currently insufficient to determine the role of this variant in disease. Therefore, it has been classified as a Variant of Uncertain Significance. This variant has not been reported in the literature in individuals with SPG21-related conditions. This variant is not present in population databases (ExAC no frequency). This sequence change falls in intron 2 of the SPG21 gene. It does not directly change the encoded amino acid sequence of the SPG21 protein, but it affects a nucleotide within the consensus splice site of the intron.

Literature cited by the submitters: PubMed 17576681; PubMed 9536098.